The following is an entry in ClinVar:

NM_007294.4(BRCA1):c.3418A>C (p.Ser1140Arg)

Genes: BRCA1 (BRCA1 DNA repair associated; minus strand), LOC126862571 (BRD4-independent group 4 enhancer GRCh37_chr17:41243136-41244335; plus strand). Cytogenetic location: 17q21.31.
Variant type: single nucleotide variant.
Coding change: c.3418A>C on transcript NM_007294.4 (MANE Select); coding-DNA position 3418, A replaced by C.
Protein change: p.Ser1140Arg; replaces serine 1140 with arginine.
Molecular consequence: missense variant. On other transcripts: intron variant (135).
Genome position (GRCh38, 1-based): chr17:43,092,113, T>G on the plus strand (A>C on the coding strand, the complement: BRCA1 is on the minus strand). VCF-style: chr17-43092113-T-G. GRCh37 (hg19) VCF-style: chr17-41244130-T-G.
Other names: c.3277A>C, p.Ser1093Arg (NM_001407944.1, NM_001407945.1, NM_007297.4 and 29 more transcripts); c.3085A>C, p.Ser1029Arg (NM_001407946.1, NM_001407947.1, NM_001407948.1 and 6 more transcripts); c.3082A>C, p.Ser1028Arg (NM_001407954.1, NM_001407955.1, NM_001407956.1 and 1 more transcripts); c.3037A>C, p.Ser1013Arg (NM_001407959.1, NM_001407960.1, NM_001407963.1); c.3034A>C, p.Ser1012Arg (NM_001407962.1); c.3274A>C, p.Ser1092Arg (NM_001407964.1, NM_001407740.1, NM_001407741.1 and 20 more transcripts); c.2914A>C, p.Ser972Arg (NM_001407965.1); c.2530A>C, p.Ser844Arg (NM_001407966.1, NM_001407967.1); and 41 more; short protein forms S1140R, S1093R, S1070R, S1098R, S1099R, S1139R, S1012R, S1013R.
Identifiers: ClinVar variation 481449 (VCV000481449.18), dbSNP rs2227945, ClinGen allele CA10595146.
Genomic context (GRCh38, chr17:43,092,113, plus strand): 5'-TTATTTCACCATCATCTAACAGGTCATCAGGTGTCTCAGAACAAACCTGAGATGCATGAC[T>G]ACTTCCCATAGGCTGTTCTAAGTTATCTGAAATCAGATATGGAGAGAAATCTGTATTAAC-3'
Protein context (NP_009225.1, residues 1130-1150): SDNLEQPMGS[Ser1140Arg]HASQVCSETP

ClinVar aggregate classification (germline): Conflicting classifications of pathogenicity. Review status: criteria provided, conflicting classifications (1 of 4 stars). 4 submissions from 4 submitters: Uncertain significance (3); Likely benign (1). Last evaluated 2025-05-28.

Conditions:
Hereditary cancer-predisposing syndrome. Also called: Hereditary Cancer Syndrome; Neoplastic Syndromes, Hereditary; Tumor predisposition; Hereditary neoplastic syndrome. Identifiers: Orphanet 140162, MedGen C0027672, MeSH D009386, MONDO:0015356.
Hereditary breast ovarian cancer syndrome. Also called: Hereditary breast and ovarian cancer syndrome; Hereditary breast and ovarian cancer; Hereditary breast and ovarian cancer syndrome (HBOC); Breast and ovarian cancer; Hereditary breast and/or ovarian cancer syndrome; BRCA1- and BRCA2-Associated Hereditary Breast and Ovarian Cancer. Identifiers: Orphanet 145, MedGen C0677776, MeSH D061325, MONDO:0003582. Disease mechanism: loss of function.

Submissions (4):

Labcorp Genetics (formerly Invitae), Labcorp
Classification: Uncertain significance for Hereditary breast ovarian cancer syndrome. Last evaluated: 2025-05-28. Review status: criteria provided, single submitter. Criteria: Invitae Variant Classification Sherloc (09022015). Collection method: clinical testing. Allele origin: germline.
Comment: This sequence change replaces serine, which is neutral and polar, with arginine, which is basic and polar, at codon 1140 of the BRCA1 protein (p.Ser1140Arg). This variant is not present in population databases (gnomAD no frequency). This variant has not been reported in the literature in individuals affected with BRCA1-related conditions. ClinVar contains an entry for this variant (Variation ID: 481449). Invitae Evidence Modeling of protein sequence and biophysical properties (such as structural, functional, and spatial information, amino acid conservation, physicochemical variation, residue mobility, and thermodynamic stability) indicates that this missense variant is not expected to disrupt BRCA1 protein function with a negative predictive value of 80%. Algorithms developed to predict the effect of sequence changes on RNA splicing suggest that this variant may create or strengthen a splice site. In summary, the available evidence is currently insufficient to determine the role of this variant in disease. Therefore, it has been classified as a Variant of Uncertain Significance.

Quest Diagnostics Nichols Institute San Juan Capistrano
Classification: Uncertain significance. Last evaluated: 2024-10-23. Review status: criteria provided, single submitter. Criteria: Quest Diagnostics criteria. Collection method: clinical testing. Allele origin: unknown.
Comment: The BRCA1 c.3418A>C (p.Ser1140Arg) variant has been reported in the published literature to be located in a region of the BRCA1 gene that is tolerant to missense sequence changes (PMID: 31911673 (2020)). To the best of our knowledge, this variant has not been reported in individuals with BRCA1-related disorders. This variant has not been reported in large, multi-ethnic general populations (Genome Aggregation Database). Analysis of this variant using bioinformatics tools for the prediction of the effect of amino acid changes on protein structure and function yielded predictions that this variant is benign. Based on the available information, we are unable to determine the clinical significance of this variant.

University of Washington Department of Laboratory Medicine, University of Washington
Classification: Likely benign for Hereditary cancer-predisposing syndrome. Last evaluated: 2023-03-23. Review status: criteria provided, single submitter. Criteria: Dines et al. (Genet Med. 2020). Collection method: curation. Allele origin: germline.
Comment: Missense variant in a coldspot region where missense variants are very unlikely to be pathogenic (PMID:31911673).

BRCA1 coldspot (exon 11 using historical exon numbering). Reclassification based on statistical prior probability

Ambry Genetics
Classification: Uncertain significance for Hereditary cancer-predisposing syndrome. Last evaluated: 2019-06-05. Review status: criteria provided, single submitter. Criteria: Ambry Variant Classification Scheme 2023. Collection method: clinical testing. Allele origin: germline.
Comment: The p.S1140R variant (also known as c.3418A>C), located in coding exon 9 of the BRCA1 gene, results from an A to C substitution at nucleotide position 3418. The serine at codon 1140 is replaced by arginine, an amino acid with dissimilar properties. This amino acid position is poorly conserved in available vertebrate species. In addition, this alteration is predicted to be tolerated by in silico analysis. Since supporting evidence is limited at this time, the clinical significance of this alteration remains unclear.

Literature cited by the submitters: PubMed 31911673 (cited by Quest Diagnostics Nichols Institute San Juan Capistrano).